The following is an entry in ClinVar:

ClinVar aggregate classification (germline): Pathogenic/Likely pathogenic. Review status: criteria provided, multiple submitters, no conflicts (2 of 4 stars). 4 submissions from 4 submitters: Pathogenic (3); Likely pathogenic (1). Last evaluated 2025-01-02.

Conditions:
Hereditary hemorrhagic telangiectasia (HHT). Also called: ORW DISEASE; Osler Weber Rendu syndrome; OSLER-RENDU-WEBER DISEASE; Osler hemorrhagic telangiectasia syndrome. Identifiers: Orphanet 774, MedGen C0039445, MONDO:0019180. Disease mechanism: loss of function.
ENG-related disorder. Also called: ENG-related condition; ENG-related disorders.
Telangiectasia, hereditary hemorrhagic, type 1 (HHT1). Also called: Osler Weber Rendu syndrome type 1; ENG-Related Hereditary Hemorrhagic Telangiectasia. Identifiers: Orphanet 774, MedGen C4551861, MONDO:0008535, OMIM 187300. Disease mechanism: loss of function.

Submissions (4):

GeneDx
Classification: Pathogenic. Last evaluated: 2025-01-02. Review status: criteria provided, single submitter. Criteria: GeneDx Variant Classification Process June 2021. Collection method: clinical testing. Allele origin: germline. Affected: yes.
Comment: Not observed at significant frequency in large population cohorts (gnomAD); Frameshift variant predicted to result in protein truncation or nonsense mediated decay in a gene for which loss of function is a known mechanism of disease; This variant is associated with the following publications: (PMID: 31630786, 36440054)

PreventionGenetics, part of Exact Sciences
Classification: Likely pathogenic for ENG-related condition. Last evaluated: 2023-07-05. Review status: criteria provided, single submitter. Criteria: ACMG Guidelines, 2015. Collection method: clinical testing. Allele origin: germline.
Comment: The ENG c.1195_1196delAG variant is predicted to result in a frameshift and premature protein termination (p.Arg399Glyfs*2). To our knowledge, this variant has not been reported in a large population database, indicating this variant is rare. Frameshift variants in ENG are expected to be pathogenic. This variant is interpreted as likely pathogenic.

Labcorp Genetics (formerly Invitae), Labcorp
Classification: Pathogenic for Hereditary hemorrhagic telangiectasia. Last evaluated: 2023-06-04. Review status: criteria provided, single submitter. Criteria: Invitae Variant Classification Sherloc (09022015). Collection method: clinical testing. Allele origin: germline.
Comment: This sequence change creates a premature translational stop signal (p.Arg399Glyfs*2) in the ENG gene. It is expected to result in an absent or disrupted protein product. Loss-of-function variants in ENG are known to be pathogenic (PMID: 15879500). This variant is not present in population databases (gnomAD no frequency). This variant has not been reported in the literature in individuals affected with ENG-related conditions. ClinVar contains an entry for this variant (Variation ID: 429506). For these reasons, this variant has been classified as Pathogenic.

ARUP Laboratories, Molecular Genetics and Genomics, ARUP Laboratories
Classification: Pathogenic for Telangiectasia, hereditary hemorrhagic, type 1. Last evaluated: 2018-11-09. Review status: criteria provided, single submitter. Criteria: ARUP Molecular Germline Variant Investigation Process. Collection method: clinical testing. Allele origin: germline.
Comment: The ENG c.1195_1196delAG; p.Arg399fs variant, to our knowledge, is not reported in the medical literature but is reported in ClinVar (Variation ID: 429506). Additionally, a similar deletion (c.1195delA; p.Arg399fs) is associated with HHT and considered to be pathogenic (see link). The c.1195_1196delAG variant is absent from general population databases (1000 Genomes Project, Exome Variant Server, and Genome Aggregation Database), indicating it is not a common polymorphism. This variant causes a frameshift by deleting two nucleotides, so it is predicted to result in a truncated protein or mRNA subject to nonsense-mediated decay. Based on available information, this variant is considered to be pathogenic. REFERENCES HHT ENG database link

Literature cited by the submitters: PubMed 15879500 (cited by Labcorp Genetics (formerly Invitae), Labcorp).

NM_001114753.3(ENG):c.1195_1196del (p.Arg399fs)

Genes: ENG (endoglin; minus strand), LOC102723566 (uncharacterized LOC102723566; plus strand). Cytogenetic location: 9q34.11.
Variant type: Deletion.
Coding change: c.1195_1196del on transcript NM_001114753.3 (MANE Select); coding-DNA positions 1195 to 1196, 2 bases deleted (AG; older notation c.1195_1196delAG).
Protein change: p.Arg399fs; shifts the reading frame from arginine 399.
Molecular consequence: frameshift variant.
Genome position (GRCh38, 1-based): chr9:127,819,976-127,819,977, CT deleted on the plus strand (AG on the coding strand, the reverse complement: ENG is on the minus strand). VCF-style (leftmost placement, unchanged base first): chr9-127819975-CCT-C. GRCh37 (hg19) VCF-style: chr9-130582254-CCT-C.
Other names: c.1195_1196delAG (NM_000118.3, NM_000118.2); c.1195_1196delAG, p.Arg399Glyfs (NM_000118.4); c.649_650del, p.Arg217fs (NM_001278138.2); c.1195_1196del (NM_000118.2); short protein forms R217fs, R399fs.
Identifiers: ClinVar variation 429506 (VCV000429506.18), dbSNP rs1131691422, ClinGen allele CA645369413.
Genomic context (GRCh38, chr9:127,819,975, plus strand): 5'-ACTTGCTGACACCTGCATGCCACAGCTGGAGTAAGCACTGCGCAAGACAAACTTGTCACC[CCT>C]GTCCTCTGCCTCACAGCTGGGGTCCCAGAAGGTCAGGCCCGTGATGGTGCACTTCAAATG-3'